The following is an entry in ClinVar:

NM_001164688.2(RD3):c.44G>A (p.Arg15Gln)

Gene: RD3 (RD3 regulator of GUCY2D; minus strand). Cytogenetic location: 1q32.3.
Variant type: single nucleotide variant.
Coding change: c.44G>A on transcript NM_001164688.2 (MANE Select); coding-DNA position 44, G replaced by A.
Protein change: p.Arg15Gln; replaces arginine 15 with glutamine.
Molecular consequence: missense variant.
Genome position (GRCh38, 1-based): chr1:211,481,372, C>T on the plus strand (G>A on the coding strand, the complement: RD3 is on the minus strand). VCF-style: chr1-211481372-C-T. GRCh37 (hg19) VCF-style: chr1-211654714-C-T.
Other names: c.44G>A, p.Arg15Gln (NM_183059.3); short protein forms R15Q.
Identifiers: ClinVar variation 452264 (VCV000452264.5), dbSNP rs771644047, ClinGen allele CA1381168.

ClinVar aggregate classification (germline): Uncertain significance. Review status: criteria provided, multiple submitters, no conflicts (2 of 4 stars). 3 submissions from 3 submitters: Uncertain significance (3). Last evaluated 2022-07-14.

Conditions:
Inborn genetic diseases. Identifiers: MedGen C0950123, MeSH D030342.

Allele frequency attached by ClinVar (database versions not stated): ExAC 0.00001; gnomAD 0.00001; gnomAD exomes 0.00001 and 0.00002; TOPMed 0.00002.
gnomAD v4.1: 18 of 1,613,624 alleles (0.0011%); highest among the groups gnomAD compares: African/African-American, 0.0027%; no homozygotes.

Submissions (3):

Ambry Genetics
Classification: Uncertain significance for Inborn genetic diseases. Last evaluated: 2022-07-14. Review status: criteria provided, single submitter. Criteria: Ambry Variant Classification Scheme 2023. Collection method: clinical testing. Allele origin: germline.

Blueprint Genetics
Classification: Uncertain significance. Last evaluated: 2022-05-19. Review status: criteria provided, single submitter. Criteria: ACMG Guidelines, 2015. Collection method: clinical testing. Allele origin: germline.

GeneDx
Classification: Uncertain significance. Last evaluated: 2017-09-22. Review status: criteria provided, single submitter. Criteria: GeneDx Variant Classification (06012015). Collection method: clinical testing. Allele origin: germline. Affected: yes.
Comment: The R15Q variant in the RD3 gene has not been reported previously as a pathogenic variant, nor as a benign variant, to our knowledge. The R15Q variant is not observed at a significant frequency in large population cohorts (Lek et al., 2016; 1000 Genomes Consortium et al., 2015; Exome Variant Server). The R15Q variant is a semi-conservative amino acid substitution, which may impact secondary protein structure as these residues differ in some properties. This substitution occurs at a position that is conserved across species. In silico analysis is inconsistent in its predictions as to whether or not the variant is damaging to the protein structure/function. We interpret R15Q as a variant of uncertain significance.